The following is an entry in ClinVar:

ClinVar aggregate classification (germline): Likely benign (1 of 4 stars; one submission).

Conditions:
Metaphyseal chondrodysplasia, Schmid type (MCDS). Also called: SPONDYLOMETAPHYSEAL DYSPLASIA, JAPANESE TYPE. Identifiers: Orphanet 174, MedGen C0265289, MONDO:0007983, OMIM 156500.

Allele frequency attached by ClinVar (database versions not stated): gnomAD 0.00001; TOPMed 0.00001; ExAC 0.00002; gnomAD exomes 0.00002.
gnomAD v4.1: 28 of 1,614,088 alleles (0.0017%); highest among the groups gnomAD compares: Non-Finnish European, 0.0024%; no homozygotes.

Submission:

Illumina Laboratory Services, Illumina
Classification: Likely benign for Metaphyseal chondrodysplasia, Schmid type. Last evaluated: 2018-01-13. Review status: criteria provided, single submitter. Criteria: ICSL Variant Classification Criteria 13 December 2019. Collection method: clinical testing. Allele origin: germline.
Comment: This variant was observed in the ICSL laboratory as part of a predisposition screen in an ostensibly healthy population. It had not been previously curated by ICSL or reported in the Human Gene Mutation Database (HGMD: prior to June 1st, 2018), and was therefore a candidate for classification through an automated scoring system. Utilizing variant allele frequency, disease prevalence and penetrance estimates, and inheritance mode, an automated score was calculated to assess if this variant is too frequent to cause the disease. Based on the score and internal cut-off values, a variant classified as likely benign is not then subjected to further curation. The score for this variant resulted in a classification of likely benign for this disease.

NM_000493.4(COL10A1):c.1759G>A (p.Gly587Arg)

Genes: COL10A1 (collagen type X alpha 1 chain; minus strand), NT5DC1 (5'-nucleotidase domain containing 1; plus strand). Cytogenetic location: 6q22.1.
Variant type: single nucleotide variant.
Coding change: c.1759G>A on transcript NM_000493.4 (MANE Select); coding-DNA position 1759, G replaced by A.
Protein change: p.Gly587Arg; replaces glycine 587 with arginine.
Molecular consequence: missense variant. On other transcripts: intron variant (1).
Genome position (GRCh38, 1-based): chr6:116,120,357, C>T on the plus strand (G>A on the coding strand, the complement: COL10A1 is on the minus strand). VCF-style: chr6-116120357-C-T. GRCh37 (hg19) VCF-style: chr6-116441520-C-T.
Other names: c.1759G>A, p.Gly587Arg (NM_001424106.1, NM_001424107.1); c.529+2412C>T (NM_152729.3); short protein forms G587R.
Identifiers: ClinVar variation 905710 (VCV000905710.4), dbSNP rs770624113, ClinGen allele CA3968118.